The following is an entry in ClinVar:

NM_005491.5(MAMLD1):c.1175C>T (p.Thr392Met)

Gene: MAMLD1 (mastermind like domain containing 1; plus strand). Cytogenetic location: Xq28.
Variant type: single nucleotide variant.
Coding change: c.1175C>T on transcript NM_005491.5 (MANE Select); coding-DNA position 1175, C replaced by T.
Protein change: p.Thr392Met; replaces threonine 392 with methionine.
Molecular consequence: missense variant.
Genome position (GRCh38, 1-based): chrX:150,470,748, C>T. VCF-style: chrX-150470748-C-T. GRCh37 (hg19) VCF-style: chrX-149639020-C-T.
Other names: c.1100C>T, p.Thr367Met (NM_001177466.3, NM_001400514.1, NM_001177465.3); c.1175C>T, p.Thr392Met (NM_001400512.1, NM_001400513.1, NM_001400515.1); short protein forms T367M, T392M.
Identifiers: ClinVar variation 1427717 (VCV001427717.1), dbSNP rs913468414, ClinGen allele CA337082862.

ClinVar aggregate classification (germline): Uncertain significance (1 of 4 stars; one submission).

Allele frequency attached by ClinVar (database versions not stated): gnomAD 0.00001.
gnomAD v4.1: 5 of 1,210,467 alleles (0.00041%); highest among the groups gnomAD compares: Middle Eastern, 0.023%; no homozygotes.

Submission:

Labcorp Genetics (formerly Invitae), Labcorp
Classification: Uncertain significance. Last evaluated: 2021-10-21. Review status: criteria provided, single submitter. Criteria: Invitae Variant Classification Sherloc (09022015). Collection method: clinical testing. Allele origin: germline.
Comment: This sequence change replaces threonine with methionine at codon 392 of the MAMLD1 protein (p.Thr392Met). The threonine residue is moderately conserved and there is a moderate physicochemical difference between threonine and methionine. This variant is not present in population databases (ExAC no frequency). This variant has not been reported in the literature in individuals affected with MAMLD1-related conditions. Algorithms developed to predict the effect of missense changes on protein structure and function are either unavailable or do not agree on the potential impact of this missense change (SIFT: "Deleterious"; PolyPhen-2: "Benign"; Align-GVGD: "Class C15"). In summary, the available evidence is currently insufficient to determine the role of this variant in disease. Therefore, it has been classified as a Variant of Uncertain Significance.